The following is an entry in ClinVar:

ClinVar aggregate classification (germline): Uncertain significance (1 of 4 stars; one submission).

Conditions:
Intellectual developmental disorder, X-linked, syndromic, Hedera type. Also called: Syndromic X-linked intellectual disability Hedera type. Identifiers: Orphanet 93952, MedGen C1845543, MONDO:0010319, OMIM 300423.

Submission:

Labcorp Genetics (formerly Invitae), Labcorp
Classification: Uncertain significance for Intellectual developmental disorder, X-linked, syndromic, Hedera type. Last evaluated: 2022-07-11. Review status: criteria provided, single submitter. Criteria: Invitae Variant Classification Sherloc (09022015). Collection method: clinical testing. Allele origin: germline.
Comment: This variant is not present in population databases (gnomAD no frequency). This sequence change replaces histidine, which is basic and polar, with leucine, which is neutral and non-polar, at codon 70 of the ATP6AP2 protein (p.His70Leu). This variant has not been reported in the literature in individuals affected with ATP6AP2-related conditions. In summary, the available evidence is currently insufficient to determine the role of this variant in disease. Therefore, it has been classified as a Variant of Uncertain Significance. Algorithms developed to predict the effect of missense changes on protein structure and function (SIFT, PolyPhen-2, Align-GVGD) all suggest that this variant is likely to be tolerated. ClinVar contains an entry for this variant (Variation ID: 1059262).

NM_005765.3(ATP6AP2):c.209A>T (p.His70Leu)

Gene: ATP6AP2 (ATPase H+ transporting accessory protein 2; plus strand). Cytogenetic location: Xp11.4.
Variant type: single nucleotide variant.
Coding change: c.209A>T on transcript NM_005765.3 (MANE Select); coding-DNA position 209, A replaced by T.
Protein change: p.His70Leu; replaces histidine 70 with leucine.
Molecular consequence: missense variant.
Genome position (GRCh38, 1-based): chrX:40,591,274, A>T. VCF-style: chrX-40591274-A-T. GRCh37 (hg19) VCF-style: chrX-40450526-A-T.
Other names: short protein forms H70L.
Identifiers: ClinVar variation 1059262 (VCV001059262.9), dbSNP rs2146539439, ClinGen allele CA412754029.